The following is an entry in ClinVar:

NM_174936.4(PCSK9):c.1797C>T (p.Ser599=)

Gene: PCSK9 (proprotein convertase subtilisin/kexin type 9; plus strand). Cytogenetic location: 1p32.3.
Variant type: single nucleotide variant.
Coding change: c.1797C>T on transcript NM_174936.4 (MANE Select); coding-DNA position 1797, C replaced by T.
Protein change: p.Ser599=; no amino-acid change (serine 599 retained).
Molecular consequence: synonymous variant. On other transcripts: non-coding transcript variant (8).
Genome position (GRCh38, 1-based): chr1:55,061,490, C>T. VCF-style: chr1-55061490-C-T. GRCh37 (hg19) VCF-style: chr1-55527163-C-T.
Other names: c.1920C>T, p.Ser640= (NM_001407240.1); c.1839C>T, p.Ser613= (NM_001407241.1); c.1800C>T, p.Ser600= (NM_001407242.1); c.1740C>T, p.Ser580= (NM_001407243.1); c.1623C>T, p.Ser541= (NM_001407244.1); c.1605C>T, p.Ser535= (NM_001407245.1); c.1422C>T, p.Ser474= (NM_001407246.1); c.1296C>T, p.Ser432= (NM_001407247.1).
Identifiers: ClinVar variation 920650 (VCV000920650.6), dbSNP rs1349990848, ClinGen allele CA417960548.

ClinVar aggregate classification (germline): Likely benign. Review status: criteria provided, multiple submitters, no conflicts (2 of 4 stars). 3 submissions from 3 submitters: Likely benign (3). Last evaluated 2023-08-15.

Conditions:
Cardiovascular phenotype. Identifiers: MedGen CN230736.
Familial hypercholesterolemia. Also called: Familial hypercholesterolemias; Familial hypercholesterolaemia. Identifiers: MedGen C0020445, MONDO:0005439.
Hypercholesterolemia, autosomal dominant, 3 (FHCL3). Also called: Familial hypercholesterolemia 3; Familial Hypercholesterolemia, Autosomal Dominant, 3; PCSK9-Related Familial Hypercholesterolemia, Autosomal Dominant. Identifiers: MedGen C1863551, MONDO:0011369, OMIM 603776.

Allele frequency attached by ClinVar (database versions not stated): gnomAD exomes below 0.00001.
gnomAD v4.1: 2 of 1,605,430 alleles (0.00012%); highest among the groups gnomAD compares: East Asian, 0.0022%; no homozygotes.

Submissions (3):

All of Us Research Program, National Institutes of Health
Classification: Likely benign for Hypercholesterolemia, autosomal dominant, 3. Last evaluated: 2023-08-15. Review status: criteria provided, single submitter. Criteria: ACMG Guidelines, 2015. Collection method: clinical testing. Allele origin: germline. Inheritance: Autosomal dominant inheritance. Observed: 1 variant allele, 1 heterozygote.
Comment: This study involves interpretation of variants in research participants for the purpose of population health screening. Participant phenotype was not available at the time of variant classification. Additional details can be found in publication PMID: 35346344, PMCID: PMC8962531

Ambry Genetics
Classification: Likely benign for Cardiovascular phenotype. Last evaluated: 2021-01-04. Review status: criteria provided, single submitter. Criteria: Ambry Variant Classification Scheme 2023. Collection method: clinical testing. Allele origin: germline.

Color Diagnostics, LLC DBA Color Health
Classification: Likely benign for Familial hypercholesterolemia. Last evaluated: 2019-12-29. Review status: criteria provided, single submitter. Criteria: ACMG Guidelines, 2015. Collection method: clinical testing. Allele origin: germline.